The following is an entry in ClinVar:

NM_024417.5(FDXR):c.872C>T (p.Ala291Val)

Gene: FDXR (ferredoxin reductase; minus strand). Cytogenetic location: 17q25.1.
Variant type: single nucleotide variant.
Coding change: c.872C>T on transcript NM_024417.5 (MANE Select); coding-DNA position 872, C replaced by T.
Protein change: p.Ala291Val; replaces alanine 291 with valine.
Molecular consequence: missense variant. On other transcripts: non-coding transcript variant (1).
Genome position (GRCh38, 1-based): chr17:74,864,278, G>A on the plus strand (C>T on the coding strand, the complement: FDXR is on the minus strand). VCF-style: chr17-74864278-G-A. GRCh37 (hg19) VCF-style: chr17-72860400-G-A.
Other names: c.1001C>T, p.Ala334Val (NM_001258012.4); c.965C>T, p.Ala322Val (NM_001258013.4); c.848C>T, p.Ala283Val (NM_001258014.4); c.752C>T, p.Ala251Val (NM_001258015.3); c.716C>T, p.Ala239Val (NM_001258016.3); c.890C>T, p.Ala297Val (NM_004110.6); c.872C>T (NM_024417.4); short protein forms A291V, A334V, A251V, A322V, A297V, A239V, A283V.
Identifiers: ClinVar variation 730651 (VCV000730651.30), dbSNP rs201450571, ClinGen allele CA8752991.
Genomic context (GRCh38, chr17:74,864,278, plus strand): 5'-GGGCTTCGGAAAAAGCGGAGGCCCCAGGCACGGGAGGCCGATGCCTGGCGGGCAGCTTCC[G>A]CCGGCCCTGGCTTCTCTGTGGCCGTTCGAAGCAGCAGTTCCGTCAGCCGCTTCCTCGGGC-3'
Protein context (NP_077728.3, residues 281-301): LRTATEKPGP[Ala291Val]EAARQASASR

ClinVar aggregate classification (germline): Benign/Likely benign. Review status: criteria provided, multiple submitters, no conflicts (2 of 4 stars). 4 submissions from 4 submitters: Benign (1); Likely benign (2). 1 of the submissions does not count toward it. Last evaluated 2026-08-01.

Conditions:
FDXR-related disorder. Also called: FDXR-related condition; FDXR-related disorders.

Allele frequency attached by ClinVar (database versions not stated): ExAC 0.00277; 1000 Genomes Project 30x 0.00016; 1000 Genomes Project 0.00020; TOPMed 0.00092; ESP Exome Variant Server 0.00102; gnomAD 0.00152 and 0.00160.
gnomAD v4.1: 2,800 of 1,596,070 alleles (0.18%); highest among the groups gnomAD compares: Non-Finnish European, 0.18%; 9 homozygotes.

Submissions (4):

CeGaT Center for Human Genetics Tuebingen
Classification: Likely benign. Last evaluated: 2026-08-01. Review status: criteria provided, single submitter. Criteria: CeGaT Center For Human Genetics Tuebingen Variant Classification Criteria Version 2. Collection method: clinical testing. Allele origin: germline. Affected: yes. Observed: 7 variant alleles.
Comment: FDXR: BP4

Blueprint Genetics
Classification: Likely benign. Last evaluated: 2024-11-26. Review status: criteria provided, single submitter. Criteria: ACMG Guidelines, 2015. Collection method: clinical testing. Allele origin: germline.

Labcorp Genetics (formerly Invitae), Labcorp
Classification: Benign. Last evaluated: 2019-12-31. Review status: criteria provided, single submitter. Criteria: Invitae Variant Classification Sherloc (09022015). Collection method: clinical testing. Allele origin: germline.

PreventionGenetics, part of Exact Sciences
Classification: Benign for FDXR-related condition. Last evaluated: 2019-10-15. Review status: no assertion criteria provided. Collection method: clinical testing. Allele origin: germline. Not counted in ClinVar's aggregate classification.
Comment: This variant is classified as benign based on ACMG/AMP sequence variant interpretation guidelines (Richards et al. 2015 PMID: 25741868, with internal and published modifications).